The following is an entry in ClinVar:

ClinVar aggregate classification (germline): Uncertain significance. Review status: criteria provided, multiple submitters, no conflicts (2 of 4 stars). 2 submissions from 2 submitters: Uncertain significance (2). Last evaluated 2025-02-20.

Conditions:
Thyroid dyshormonogenesis 6 (TDH6). Also called: THYROID HORMONOGENESIS, GENETIC DEFECT IN, 6; HYPOTHYROIDISM, CONGENITAL, DUE TO DYSHORMONOGENESIS, 6; Genetic transient congenital hypothyroidism. Identifiers: Orphanet 226316, Orphanet 95716, MedGen C1846632, MONDO:0011792, OMIM 607200.

Allele frequency attached by ClinVar (database versions not stated): gnomAD exomes 0.00002; gnomAD 0.00004 and 0.00005; ExAC 0.00006; 1000 Genomes Project 0.00060; 1000 Genomes Project 30x 0.00062.

Submissions (2):

Labcorp Genetics (formerly Invitae), Labcorp
Classification: Uncertain significance. Last evaluated: 2025-02-20. Review status: criteria provided, single submitter. Criteria: Invitae Variant Classification Sherloc (09022015). Collection method: clinical testing. Allele origin: germline.
Comment: This sequence change replaces arginine, which is basic and polar, with histidine, which is basic and polar, at codon 422 of the DUOX2 protein (p.Arg422His). This variant is present in population databases (rs201135069, gnomAD 0.01%). This missense change has been observed in individual(s) with congenital hypothyroidism (PMID: 30022773). ClinVar contains an entry for this variant (Variation ID: 1432063). Invitae Evidence Modeling of protein sequence and biophysical properties (such as structural, functional, and spatial information, amino acid conservation, physicochemical variation, residue mobility, and thermodynamic stability) indicates that this missense variant is expected to disrupt DUOX2 protein function with a positive predictive value of 80%. In summary, the available evidence is currently insufficient to determine the role of this variant in disease. Therefore, it has been classified as a Variant of Uncertain Significance.

Fulgent Genetics
Classification: Uncertain significance for Thyroid dyshormonogenesis 6. Last evaluated: 2021-08-30. Review status: criteria provided, single submitter. Criteria: ACMG Guidelines, 2015. Collection method: clinical testing. Allele origin: unknown.

Literature cited by the submitters: PubMed 30022773 (cited by Labcorp Genetics (formerly Invitae), Labcorp).

NM_001363711.2(DUOX2):c.1265G>A (p.Arg422His)

Gene: DUOX2 (dual oxidase 2; minus strand). Cytogenetic location: 15q21.1.
Variant type: single nucleotide variant.
Coding change: c.1265G>A on transcript NM_001363711.2 (MANE Select); coding-DNA position 1265, G replaced by A.
Protein change: p.Arg422His; replaces arginine 422 with histidine.
Molecular consequence: missense variant.
Genome position (GRCh38, 1-based): chr15:45,108,922, C>T on the plus strand (G>A on the coding strand, the complement: DUOX2 is on the minus strand). VCF-style: chr15-45108922-C-T. GRCh37 (hg19) VCF-style: chr15-45401120-C-T.
Other names: c.1265G>A, p.Arg422His (NM_014080.5); short protein forms R422H.
Identifiers: ClinVar variation 1432063 (VCV001432063.7), dbSNP rs201135069, ClinGen allele CA7538668.
Genomic context (GRCh38, chr15:45,108,922, plus strand): 5'-CTATAGCTGGGCAGCCCCATATCTCGGCCACGTTGGATGCTGCTGGCCACATAGTCTGTA[C>T]GGGAGAATTTGCCAGGGCCAGGCCAGTAATCTGAAGAGGAGAGAAGACTAGACTATGGGC-3'
Protein context (NP_001350640.1, residues 412-432): DYWPGPGKFS[Arg422His]TDYVASSIQR